The following is an entry in ClinVar:

ClinVar aggregate classification (germline): Uncertain significance (1 of 4 stars; one submission).

Submission:

CeGaT Center for Human Genetics Tuebingen
Classification: Uncertain significance. Last evaluated: 2026-06-01. Review status: criteria provided, single submitter. Criteria: CeGaT Center For Human Genetics Tuebingen Variant Classification Criteria Version 2. Collection method: clinical testing. Allele origin: germline. Affected: yes. Observed: 1 variant allele.
Comment: TSC1: PM2, PP2

NM_000368.5(TSC1):c.2839_2840delinsCC (p.Arg947Pro)

Gene: TSC1 (TSC complex subunit 1; minus strand). Cytogenetic location: 9q34.13.
Variant type: Indel.
Coding change: c.2839_2840delinsCC on transcript NM_000368.5 (MANE Select); coding-DNA positions 2839 to 2840, AG replaced by CC.
Protein change: p.Arg947Pro; replaces arginine 947 with proline.
Molecular consequence: missense variant. On other transcripts: non-coding transcript variant (5).
Genome position (GRCh38, 1-based): chr9:132,897,319-132,897,320, CT replaced by GG on the plus strand (AG replaced by CC on the coding strand, the reverse complement: TSC1 is on the minus strand). VCF-style: chr9-132897319-CT-GG. GRCh37 (hg19) VCF-style: chr9-135772706-CT-GG.
Other names: c.2836_2837delinsCC, p.Arg946Pro (NM_001162426.2, NM_001406597.1, NM_001406598.1 and 2 more transcripts); c.2686_2687delinsCC, p.Arg896Pro (NM_001162427.2, NM_001406610.1); c.2476_2477delinsCC, p.Arg826Pro (NM_001362177.2, NM_001406615.1, NM_001406616.1 and 4 more transcripts); c.2839_2840delinsCC, p.Arg947Pro (NM_001406592.1, NM_001406593.1, NM_001406594.1 and 2 more transcripts); c.2824_2825delinsCC, p.Arg942Pro (NM_001406601.1, NM_001406602.1); c.2821_2822delinsCC, p.Arg941Pro (NM_001406603.1, NM_001406604.1); c.2473_2474delinsCC, p.Arg825Pro (NM_001406620.1, NM_001406621.1, NM_001406622.1 and 1 more transcripts); c.2434_2435delinsCC, p.Arg812Pro (NM_001406624.1); and 8 more; short protein forms R596P, R629P, R630P, R811P, R812P, R825P, R826P, R881P.
Identifiers: ClinVar variation 4875109 (VCV004875109.2).